The following is an entry in ClinVar:

ClinVar aggregate classification (germline): Uncertain significance. Review status: criteria provided, single submitter (1 of 4 stars). 2 submissions from 2 submitters: Uncertain significance (1). 1 of the submissions does not count toward it. Last evaluated 2020-03-13.

Conditions:
CLCN1-related disorder. Also called: CLCN1-related condition.

Submissions (2):

Revvity Omics, Revvity
Classification: Uncertain significance. Last evaluated: 2020-03-13. Review status: criteria provided, single submitter. Criteria: ACMG Guidelines, 2015. Collection method: clinical testing. Allele origin: germline.

PreventionGenetics, part of Exact Sciences
Classification: Uncertain significance for CLCN1-related condition. Last evaluated: 2024-07-30. Review status: no assertion criteria provided. Collection method: clinical testing. Allele origin: germline. Not counted in ClinVar's aggregate classification.
Comment: The CLCN1 c.2555C>T variant is predicted to result in the amino acid substitution p.Thr852Ile. To our knowledge, this variant has not been reported in the literature or in a large population database, indicating this variant is rare. At this time, the clinical significance of this variant is uncertain due to the absence of conclusive functional and genetic evidence.

NM_000083.3(CLCN1):c.2555C>T (p.Thr852Ile)

Gene: CLCN1 (chloride voltage-gated channel 1; plus strand). Cytogenetic location: 7q34.
Variant type: single nucleotide variant.
Coding change: c.2555C>T on transcript NM_000083.3 (MANE Select); coding-DNA position 2555, C replaced by T.
Protein change: p.Thr852Ile; replaces threonine 852 with isoleucine.
Molecular consequence: missense variant. On other transcripts: non-coding transcript variant (1).
Genome position (GRCh38, 1-based): chr7:143,350,614, C>T. VCF-style: chr7-143350614-C-T. GRCh37 (hg19) VCF-style: chr7-143047707-C-T.
Other names: short protein forms T852I.
Identifiers: ClinVar variation 2440115 (VCV002440115.4), dbSNP rs2485444877, ClinGen allele CA369653242.